The following is an entry in ClinVar:

ClinVar aggregate classification (germline): Likely benign (1 of 4 stars; one submission).

Allele frequency attached by ClinVar (database versions not stated): 1000 Genomes Project 30x 0.00359; 1000 Genomes Project 0.00419; TOPMed 0.00733; ExAC 0.00797; ESP Exome Variant Server 0.00930.
gnomAD v4.1: 17,510 of 1,596,892 alleles (1.1%); highest among the groups gnomAD compares: Non-Finnish European, 1.4%; 132 homozygotes.

Submission:

GeneDx
Classification: Likely benign. Last evaluated: 2020-05-11. Review status: criteria provided, single submitter. Criteria: GeneDx Variant Classification Process June 2021. Collection method: clinical testing. Allele origin: germline. Affected: yes.
Comment: See Variant Classification Assertion Criteria.

NM_001195.5(BFSP1):c.534+38C>T

Gene: BFSP1 (beaded filament structural protein 1; minus strand). Cytogenetic location: 20p12.1.
Variant type: single nucleotide variant.
Coding change: c.534+38C>T on transcript NM_001195.5 (MANE Select); 38 bases into the intron after coding-DNA position 534, C replaced by T.
Molecular consequence: intron variant.
Genome position (GRCh38, 1-based): chr20:17,514,683, G>A on the plus strand (C>T on the coding strand, the complement: BFSP1 is on the minus strand). VCF-style: chr20-17514683-G-A. GRCh37 (hg19) VCF-style: chr20-17495328-G-A.
Other names: c.117+38C>T (NM_001278608.2, NM_001278606.2); c.201+38C>T (NM_001278607.2); c.159+38C>T (NM_001161705.2).
Identifiers: ClinVar variation 1707265 (VCV001707265.2), dbSNP rs6080731, ClinGen allele CA9772304.